The following is an entry in ClinVar:

NM_000057.4(BLM):c.670C>G (p.Gln224Glu)

Gene: BLM (BLM RecQ like helicase; plus strand). Cytogenetic location: 15q26.1.
Variant type: single nucleotide variant.
Coding change: c.670C>G on transcript NM_000057.4 (MANE Select); coding-DNA position 670, C replaced by G.
Protein change: p.Gln224Glu; replaces glutamine 224 with glutamic acid.
Molecular consequence: missense variant. On other transcripts: 5 prime UTR variant (1).
Genome position (GRCh38, 1-based): chr15:90,749,938, C>G. VCF-style: chr15-90749938-C-G. GRCh37 (hg19) VCF-style: chr15-91293168-C-G.
Other names: c.670C>G, p.Gln224Glu (NM_001287246.2, NM_001287247.2); c.-622C>G (NM_001287248.2); short protein forms Q224E.
Identifiers: ClinVar variation 4622650 (VCV004622650.1).
Genomic context (GRCh38, chr15:90,749,938, plus strand): 5'-GTAAAGACTGATTTGCCTCCACCCTCCTCTGAAAGCGAGCAAATAGATTTGACTGAGGAA[C>G]AGAAGGATGACTCAGAATGGTTAAGCAGCGATGTGATTTGCATCGATGATGGCCCCATTG-3'
Protein context (NP_000048.1, residues 214-234): ESEQIDLTEE[Gln224Glu]KDDSEWLSSD

ClinVar aggregate classification (germline): Uncertain significance (1 of 4 stars; one submission).

Conditions:
Hereditary cancer-predisposing syndrome. Also called: Neoplastic Syndromes, Hereditary; Tumor predisposition; Hereditary Cancer Syndrome; Hereditary neoplastic syndrome. Identifiers: Orphanet 140162, MedGen C0027672, MeSH D009386, MONDO:0015356.

Submission:

Ambry Genetics
Classification: Uncertain significance for Hereditary cancer-predisposing syndrome. Last evaluated: 2025-10-16. Review status: criteria provided, single submitter. Criteria: Ambry Variant Classification Scheme 2023. Collection method: clinical testing. Allele origin: germline.
Comment: The p.Q224E variant (also known as c.670C>G), located in coding exon 2 of the BLM gene, results from a C to G substitution at nucleotide position 670. The glutamine at codon 224 is replaced by glutamic acid, an amino acid with highly similar properties. This amino acid position is conserved. In addition, this alteration is predicted to be tolerated by in silico analysis. Based on the available evidence, the clinical significance of this variant remains unclear.